The following is an entry in ClinVar:

NM_001145026.2(PTPRQ):c.6232C>T (p.Pro2078Ser)

Gene: PTPRQ (protein tyrosine phosphatase receptor type Q; plus strand). Cytogenetic location: 12q21.31.
Variant type: single nucleotide variant.
Coding change: c.6232C>T on transcript NM_001145026.2 (MANE Select); coding-DNA position 6232, C replaced by T.
Protein change: p.Pro2078Ser; replaces proline 2078 with serine.
Molecular consequence: missense variant.
Genome position (GRCh38, 1-based): chr12:80,669,046, C>T. VCF-style: chr12-80669046-C-T. GRCh37 (hg19) VCF-style: chr12-81062825-C-T.
Other names: short protein forms P2078S.
Identifiers: ClinVar variation 4989726 (VCV004989726.1).

ClinVar aggregate classification (germline): Uncertain significance (1 of 4 stars; one submission).

Conditions:
PTPRQ-related disorder. Also called: PTPRQ-related condition.

gnomAD v4.1: 83 of 1,550,108 alleles (0.0054%); highest among the groups gnomAD compares: Non-Finnish European, 0.0072%; no homozygotes.

Submission:

PreventionGenetics, part of Exact Sciences
Classification: Uncertain significance for PTPRQ-related condition. Last evaluated: 2025-05-29. Review status: criteria provided, single submitter. Criteria: ACMG Guidelines, 2015. Collection method: clinical testing. Allele origin: germline.
Comment: The PTPRQ c.6232C>T variant is predicted to result in the amino acid substitution p.Pro2078Ser. To our knowledge, this variant has not been reported in the literature or in a large population database (gnomAD), indicating this variant is rare. At this time, the clinical significance of this variant is uncertain due to the absence of conclusive functional and genetic evidence.